The following is an entry in ClinVar:

ClinVar aggregate classification (germline): Uncertain significance (1 of 4 stars; one submission).

Allele frequency attached by ClinVar (database versions not stated): TOPMed 0.00001; ExAC 0.00002; gnomAD 0.00002; gnomAD exomes 0.00002; ESP Exome Variant Server 0.00008.
gnomAD v4.1: 31 of 1,613,676 alleles (0.0019%); highest among the groups gnomAD compares: Middle Eastern, 0.016%; no homozygotes.

Submission:

Centre of Medical Genetics, University Hospital Muenster
Classification: Uncertain significance. Last evaluated: 2022-01-05. Review status: criteria provided, single submitter. Criteria: ACMG Guidelines, 2015. Collection method: clinical testing. Allele origin: unknown. Affected: yes. Observed: 1 variant allele, 1 heterozygote.
Comment: ACMG categories: PM1,PM2,BP1

NM_001080512.3(BICC1):c.2381C>T (p.Ser794Leu)

Gene: BICC1 (BicC family RNA binding protein 1; plus strand). Cytogenetic location: 10q21.1.
Variant type: single nucleotide variant.
Coding change: c.2381C>T on transcript NM_001080512.3 (MANE Select); coding-DNA position 2381, C replaced by T.
Protein change: p.Ser794Leu; replaces serine 794 with leucine.
Molecular consequence: missense variant.
Genome position (GRCh38, 1-based): chr10:58,813,834, C>T. VCF-style: chr10-58813834-C-T. GRCh37 (hg19) VCF-style: chr10-60573594-C-T.
Other names: short protein forms S794L.
Identifiers: ClinVar variation 1708383 (VCV001708383.2), dbSNP rs149925354, ClinGen allele CA5508794.